The following is an entry in ClinVar:

NM_001130438.3(SPTAN1):c.4360T>G (p.Cys1454Gly)

Gene: SPTAN1 (spectrin alpha, non-erythrocytic 1; plus strand). Cytogenetic location: 9q34.11.
Variant type: single nucleotide variant.
Coding change: c.4360T>G on transcript NM_001130438.3 (MANE Select); coding-DNA position 4360, T replaced by G.
Protein change: p.Cys1454Gly; replaces cysteine 1454 with glycine.
Molecular consequence: missense variant.
Genome position (GRCh38, 1-based): chr9:128,608,145, T>G. VCF-style: chr9-128608145-T-G. GRCh37 (hg19) VCF-style: chr9-131370424-T-G.
Other names: c.4300T>G, p.Cys1434Gly (NM_001195532.2, NM_001363765.2, NM_001375314.2); c.4360T>G, p.Cys1454Gly (NM_001363759.2, NM_001375310.1, NM_001375311.2 and 2 more transcripts); c.4396T>G, p.Cys1466Gly (NM_001375312.2, NM_001375318.1); short protein forms C1434G, C1466G, C1454G.
Identifiers: ClinVar variation 1042888 (VCV001042888.9), dbSNP rs1220414198, ClinGen allele CA375066824.

ClinVar aggregate classification (germline): Uncertain significance (1 of 4 stars; one submission).

Conditions:
Early-infantile DEE. Also called: Ohtahara syndrome; Early infantile epileptic encephalopathy with suppression bursts; Early infantile epileptic encephalopathy. Identifiers: Orphanet 1934, MedGen C0393706, MONDO:0800491.

Allele frequency attached by ClinVar (database versions not stated): gnomAD exomes below 0.00001; TOPMed below 0.00001.
gnomAD v4.1: 2 of 1,614,178 alleles (0.00012%); highest among the groups gnomAD compares: Non-Finnish European, 0.00017%; no homozygotes.

Submission:

Labcorp Genetics (formerly Invitae), Labcorp
Classification: Uncertain significance for Early-infantile DEE. Last evaluated: 2020-06-28. Review status: criteria provided, single submitter. Criteria: Invitae Variant Classification Sherloc (09022015). Collection method: clinical testing. Allele origin: germline.
Comment: In summary, the available evidence is currently insufficient to determine the role of this variant in disease. Therefore, it has been classified as a Variant of Uncertain Significance. Algorithms developed to predict the effect of sequence changes on RNA splicing suggest that this variant may create or strengthen a splice site, but this prediction has not been confirmed by published transcriptional studies. Algorithms developed to predict the effect of missense changes on protein structure and function (SIFT, PolyPhen-2, Align-GVGD) all suggest that this variant is likely to be disruptive, but these predictions have not been confirmed by published functional studies and their clinical significance is uncertain. This variant has not been reported in the literature in individuals with SPTAN1-related conditions. This variant is not present in population databases (ExAC no frequency). This sequence change replaces cysteine with glycine at codon 1454 of the SPTAN1 protein (p.Cys1454Gly). The cysteine residue is highly conserved and there is a large physicochemical difference between cysteine and glycine.